The following is an entry in ClinVar:

NM_002474.3(MYH11):c.502+9A>G

Gene: MYH11 (myosin heavy chain 11; minus strand). Cytogenetic location: 16p13.11.
Variant type: single nucleotide variant.
Coding change: c.502+9A>G on transcript NM_002474.3 (MANE Select); 9 bases into the intron after coding-DNA position 502, A replaced by G.
Molecular consequence: intron variant.
Genome position (GRCh38, 1-based): chr16:15,823,246, T>C on the plus strand (A>G on the coding strand, the complement: MYH11 is on the minus strand). VCF-style: chr16-15823246-T-C. GRCh37 (hg19) VCF-style: chr16-15917103-T-C.
Other names: c.502+9A>G (NM_022844.3, NM_001040114.2, NM_001040113.2 and 1 more transcripts).
Identifiers: ClinVar variation 508457 (VCV000508457.11), dbSNP rs1268824781, ClinGen allele CA621182127.
Genomic context (GRCh38, chr16:15,823,246, plus strand): 5'-AGAACTGCAGACAAGCAGGACAGGAGGGGCTCCCTGGAGCTGGCCCCGTGCAGCCCTGAG[T>C]TCACTCACCTTGAAGCATGCTCCGGTAGGCCGTGTCTGCGATGGCGTAGATGTGAGGCGG-3'

ClinVar aggregate classification (germline): Likely benign. Review status: criteria provided, multiple submitters, no conflicts (2 of 4 stars). 3 submissions from 3 submitters: Likely benign (2). 1 of the submissions does not count toward it. Last evaluated 2026-01-07.

Conditions:
MYH11-related disorder. Also called: MYH11-related condition.
Aortic aneurysm, familial thoracic 4 (AAT4). Also called: AORTIC ANEURYSM/AORTIC DISSECTION AND PATENT DUCTUS ARTERIOSUS. Identifiers: MedGen C1851504, MONDO:0007568, OMIM 132900.

Allele frequency attached by ClinVar (database versions not stated): gnomAD 0.00001; gnomAD exomes 0.00001; TOPMed 0.00001.
gnomAD v4.1: 12 of 1,613,934 alleles (0.00074%); highest among the groups gnomAD compares: Middle Eastern, 0.05%; no homozygotes.

Submissions (3):

Labcorp Genetics (formerly Invitae), Labcorp
Classification: Likely benign for Aortic aneurysm, familial thoracic 4. Last evaluated: 2026-01-07. Review status: criteria provided, single submitter. Criteria: Invitae Variant Classification Sherloc (09022015). Collection method: clinical testing. Allele origin: germline.

GeneDx
Classification: Likely benign. Last evaluated: 2017-03-28. Review status: criteria provided, single submitter. Criteria: GeneDx Variant Classification (06012015). Collection method: clinical testing. Allele origin: germline. Affected: yes.
Comment: This variant is considered likely benign or benign based on one or more of the following criteria: it is a conservative change, it occurs at a poorly conserved position in the protein, it is predicted to be benign by multiple in silico algorithms, and/or has population frequency not consistent with disease.

PreventionGenetics, part of Exact Sciences
Classification: Likely benign for MYH11-related condition. Last evaluated: 2019-03-18. Review status: no assertion criteria provided. Collection method: clinical testing. Allele origin: germline. Not counted in ClinVar's aggregate classification.
Comment: This variant is classified as likely benign based on ACMG/AMP sequence variant interpretation guidelines (Richards et al. 2015 PMID: 25741868, with internal and published modifications).